The following is an entry in ClinVar:

ClinVar aggregate classification (germline): Likely benign (0 of 4 stars; one submission).

Conditions:
UBR3-related disorder. Also called: UBR3-related condition.

Allele frequency attached by ClinVar (database versions not stated): gnomAD 0.00005; TOPMed 0.00005; gnomAD exomes 0.00013.
gnomAD v4.1: 181 of 1,491,604 alleles (0.012%); highest among the groups gnomAD compares: Non-Finnish European, 0.016%; no homozygotes.

Submission:

PreventionGenetics, part of Exact Sciences
Classification: Likely benign for UBR3-related condition. Last evaluated: 2019-06-07. Review status: no assertion criteria provided. Collection method: clinical testing. Allele origin: germline.
Comment: This variant is classified as likely benign based on ACMG/AMP sequence variant interpretation guidelines (Richards et al. 2015 PMID: 25741868, with internal and published modifications).

NM_172070.4(UBR3):c.423C>T (p.Cys141=)

Gene: UBR3 (ubiquitin protein ligase E3 component n-recognin 3; plus strand). Cytogenetic location: 2q31.1.
Variant type: single nucleotide variant.
Coding change: c.423C>T on transcript NM_172070.4 (MANE Select); coding-DNA position 423, C replaced by T.
Protein change: p.Cys141=; no amino-acid change (cysteine 141 retained).
Molecular consequence: synonymous variant.
Genome position (GRCh38, 1-based): chr2:169,827,930, C>T. VCF-style: chr2-169827930-C-T. GRCh37 (hg19) VCF-style: chr2-170684440-C-T.
Identifiers: ClinVar variation 3033312 (VCV003033312.2), dbSNP rs1228030225, ClinGen allele CA429880645.